The following is an entry in ClinVar:

NM_001005242.3(PKP2):c.1379-2020G>A

Gene: PKP2 (plakophilin 2; minus strand). Cytogenetic location: 12p11.21.
Variant type: single nucleotide variant.
Coding change: c.1379-2020G>A on transcript NM_001005242.3 (MANE Select); 2020 bases into the intron before coding-DNA position 1379, G replaced by A.
Molecular consequence: intron variant. On other transcripts: synonymous variant (1).
Genome position (GRCh38, 1-based): chr12:32,843,225, C>T on the plus strand (G>A on the coding strand, the complement: PKP2 is on the minus strand). VCF-style: chr12-32843225-C-T. GRCh37 (hg19) VCF-style: chr12-32996159-C-T.
Other names: c.1467G>A, p.Gly489= (NM_004572.4).
Identifiers: ClinVar variation 1567011 (VCV001567011.13), dbSNP rs1415117420, ClinGen allele CA479177778.
Genomic context (GRCh38, chr12:32,843,225, plus strand): 5'-AGAGACAGGGGTCTCACCATGTTGGTCAGGCTGGTCTCGAACTCCTGACCTCGTGATCCG[C>T]CCGCCTTGGCCTCCCAAAGTGCTGGGATTACAGGCGTGAGCCACCGCGCCCGGCCAGCCA-3'

ClinVar aggregate classification (germline): Conflicting classifications of pathogenicity. Review status: criteria provided, conflicting classifications (1 of 4 stars). 4 submissions from 4 submitters: Uncertain significance (1); Likely benign (3). Last evaluated 2025-01-13.

Conditions:
Cardiomyopathy (CMYO). Also called: Cardiomyopathies. Identifiers: Orphanet 167848, MedGen C0878544, MONDO:0004994, HP:0001638. Inheritance: Various modes of inheritance.
Cardiovascular phenotype. Identifiers: MedGen CN230736.
Arrhythmogenic right ventricular cardiomyopathy (ARVD). Also called: Cardiomyopathy, ARVC; Arrhythmogenic right ventricular dysplasia; Arrhythmogenic cardiomyopathy; Arrhythmogenic Right Ventricular Cardiomyopathy (ARVC). Identifiers: Orphanet 247, MedGen C0349788, MeSH D019571, MONDO:0016587. Disease mechanism: loss of function. Inheritance: Various modes of inheritance.
Arrhythmogenic right ventricular dysplasia 9 (ARVD9). Also called: Arrhythmogenic Right Ventricular Dysplasia/Cardiomyopathy 9; ARRHYTHMOGENIC RIGHT VENTRICULAR DYSPLASIA, FAMILIAL, 9. Identifiers: MedGen C1836906, MONDO:0012180, OMIM 609040.

Allele frequency attached by ClinVar (database versions not stated): gnomAD exomes below 0.00001; TOPMed 0.00002; gnomAD 0.00003 and 0.00004.
gnomAD v4.1: 6 of 729,664 alleles (0.00082%); highest among the groups gnomAD compares: African/African-American, 0.009%; no homozygotes.

Submissions (4):

Ambry Genetics
Classification: Uncertain significance for Cardiovascular phenotype. Last evaluated: 2025-01-13. Review status: criteria provided, single submitter. Criteria: Ambry Variant Classification Scheme 2023. Collection method: clinical testing. Allele origin: germline.
Comment: The c.1467G>A variant (also known as p.G489G), located in coding exon 6 of the PKP2 gene, results from a G to A substitution at nucleotide position 1467. This nucleotide substitution does not change the glycine at codon 489. This nucleotide position is well conserved in available vertebrate species. In silico splice site analysis for this alteration is inconclusive. In addition, coding exon 6 is alternatively spliced, and the predominant isoform in human cardiac tissue, PKP2A, does not include this exon (Gandjbakhch E et al. Heart. 2011;97(10):844-9). Since supporting evidence is limited at this time, the clinical significance of this alteration remains unclear.

Labcorp Genetics (formerly Invitae), Labcorp
Classification: Likely benign for Arrhythmogenic right ventricular dysplasia 9. Last evaluated: 2024-05-31. Review status: criteria provided, single submitter. Criteria: Invitae Variant Classification Sherloc (09022015). Collection method: clinical testing. Allele origin: germline.

All of Us Research Program, National Institutes of Health
Classification: Likely benign for Arrhythmogenic right ventricular cardiomyopathy. Last evaluated: 2023-03-23. Review status: criteria provided, single submitter. Criteria: ACMG Guidelines, 2015. Collection method: clinical testing. Allele origin: germline. Inheritance: Autosomal dominant inheritance. Observed: 2 variant alleles, 2 heterozygotes.
Comment: This study involves interpretation of variants in research participants for the purpose of population health screening. Participant phenotype was not available at the time of variant classification. Additional details can be found in publication PMID: 35346344, PMCID: PMC8962531

Color Diagnostics, LLC DBA Color Health
Classification: Likely benign for Cardiomyopathy. Last evaluated: 2022-11-06. Review status: criteria provided, single submitter. Criteria: ACMG Guidelines, 2015. Collection method: clinical testing. Allele origin: germline.